The following is an entry in ClinVar:

NM_000051.4(ATM):c.6139_6141dup (p.Val2047_Thr2048insVal)

Genes: ATM (ATM serine/threonine kinase; plus strand), C11orf65 (chromosome 11 open reading frame 65; minus strand). Cytogenetic location: 11q22.3.
Variant type: Duplication.
Coding change: c.6139_6141dup on transcript NM_000051.4 (MANE Select); coding-DNA positions 6139 to 6141, 3 bases duplicated (GTA; older notation c.6139_6141dupGTA).
Protein change: p.Val2047_Thr2048insVal.
Molecular consequence: inframe insertion. On other transcripts: inframe indel (1), intron variant (2).
Genome position (GRCh38, 1-based): chr11:108,316,054-108,316,056, GTA duplicated; duplicating any 3 consecutive bases within chr11:108,316,052-108,316,056 gives the same sequence; the c. name uses the placement nearest the transcript's 3' end. VCF-style (leftmost placement, unchanged base first): chr11-108316051-C-CTAG. GRCh37 (hg19) VCF-style: chr11-108186778-C-CTAG.
Other names: c.6139_6141dupGTA (NM_000051.3); c.6139_6141dup, p.Val2047_Thr2048insVal (NM_001351834.2); c.641-6983_641-6981dup (NM_001330368.2); c.*39-6983_*39-6981dup (NM_001351110.2).
Identifiers: ClinVar variation 641310 (VCV000641310.12), dbSNP rs1591778872, ClinGen allele CA915947651.

ClinVar aggregate classification (germline): Uncertain significance. Review status: criteria provided, multiple submitters, no conflicts (2 of 4 stars). 3 submissions from 3 submitters: Uncertain significance (3). Last evaluated 2026-02-27.

Conditions:
Hereditary cancer-predisposing syndrome. Also called: Tumor predisposition; Hereditary neoplastic syndrome; Neoplastic Syndromes, Hereditary; Hereditary Cancer Syndrome. Identifiers: Orphanet 140162, MedGen C0027672, MeSH D009386, MONDO:0015356.
Ataxia-telangiectasia syndrome (AT). Also called: Ataxia-telangiectasia, complementation group D; AT, COMPLEMENTATION GROUP C; ATAXIA-TELANGIECTASIA, COMPLEMENTATION GROUP A; ATAXIA-TELANGIECTASIA, FRESNO VARIANT; Ataxia-telangiectasia; LOUIS-BAR SYNDROME. Identifiers: Orphanet 100, MedGen C0004135, MONDO:0008840, OMIM 208900.

Submissions (3):

Ambry Genetics
Classification: Uncertain significance for Hereditary cancer-predisposing syndrome. Last evaluated: 2026-02-27. Review status: criteria provided, single submitter. Criteria: Ambry Variant Classification Scheme 2023. Collection method: clinical testing. Allele origin: germline.
Comment: The c.6139_6141dupGTA variant (also known as p.V2047dup), located in coding exon 41 of the ATM gene, results from an in-frame duplication of GTA at nucleotide positions 6139 to 6141. This results in the duplication of an extra residue (V) between codons 2047 and 2048. This amino acid position is not well conserved in available vertebrate species. In addition, this variant is predicted to be deleterious by in silico analysis (Choi Y et al. PLoS ONE. 2012; 7(10):e46688). Based on the available evidence, the clinical significance of this variant remains unclear.

Labcorp Genetics (formerly Invitae), Labcorp
Classification: Uncertain significance for Ataxia-telangiectasia syndrome. Last evaluated: 2024-09-29. Review status: criteria provided, single submitter. Criteria: Invitae Variant Classification Sherloc (09022015). Collection method: clinical testing. Allele origin: germline.
Comment: This variant, c.6139_6141dup, results in the insertion of 1 amino acid(s) of the ATM protein (p.Val2047dup), but otherwise preserves the integrity of the reading frame. This variant is not present in population databases (gnomAD no frequency). This variant has not been reported in the literature in individuals affected with ATM-related conditions. ClinVar contains an entry for this variant (Variation ID: 641310). Experimental studies and prediction algorithms are not available or were not evaluated, and the functional significance of this variant is currently unknown. In summary, the available evidence is currently insufficient to determine the role of this variant in disease. Therefore, it has been classified as a Variant of Uncertain Significance.

Quest Diagnostics Nichols Institute San Juan Capistrano
Classification: Uncertain significance. Last evaluated: 2024-01-05. Review status: criteria provided, single submitter. Criteria: Quest Diagnostics criteria. Collection method: clinical testing. Allele origin: unknown.